The following is an entry in ClinVar:

ClinVar aggregate classification (germline): Likely pathogenic. Review status: criteria provided, multiple submitters, no conflicts (2 of 4 stars). 3 submissions from 3 submitters: Likely pathogenic (2). 1 of the submissions does not count toward it. Last evaluated 2025-08-05.

Conditions:
Charcot-Marie-Tooth disease. Also called: Charcot-Marie-Tooth Hereditary Neuropathy; Charcot-Marie-Tooth Neuropathy. Identifiers: Orphanet 166, MedGen C0007959, MONDO:0015626.

Submissions (3):

GeneDx
Classification: Likely pathogenic. Last evaluated: 2025-08-05. Review status: criteria provided, single submitter. Criteria: GeneDx Variant Classification Process June 2021. Collection method: clinical testing. Allele origin: germline. Affected: yes.
Comment: Not observed at significant frequency in large population cohorts (gnomAD); In silico analysis supports that this missense variant has a deleterious effect on protein structure/function; This variant is associated with the following publications: (PMID: Muoz2017[CaseReport], 23325410, 20020398)

Labcorp Genetics (formerly Invitae), Labcorp
Classification: Likely pathogenic. Last evaluated: 2023-03-13. Review status: criteria provided, single submitter. Criteria: Invitae Variant Classification Sherloc (09022015). Collection method: clinical testing. Allele origin: germline.
Comment: In summary, the currently available evidence indicates that the variant is pathogenic, but additional data are needed to prove that conclusively. Therefore, this variant has been classified as Likely Pathogenic. Advanced modeling of protein sequence and biophysical properties (such as structural, functional, and spatial information, amino acid conservation, physicochemical variation, residue mobility, and thermodynamic stability) performed at Invitae indicates that this missense variant is expected to disrupt SLC12A6 protein function. ClinVar contains an entry for this variant (Variation ID: 637871). This missense change has been observed in individual(s) with hereditary motor and sensory neuropathy (PMID: 20020398). In at least one individual the data is consistent with being in trans (on the opposite chromosome) from a pathogenic variant. It has also been observed to segregate with disease in related individuals. This variant is not present in population databases (gnomAD no frequency). This sequence change replaces glycine, which is neutral and non-polar, with aspartic acid, which is acidic and polar, at codon 539 of the SLC12A6 protein (p.Gly539Asp).

Inherited Neuropathy Consortium
Classification: Uncertain significance for Charcot-Marie-Tooth disease. Review status: no assertion criteria provided. Collection method: literature only. Allele origin: germline. Affected: yes. Not counted in ClinVar's aggregate classification.

Literature cited by the submitters: PubMed 20020398 (cited by Labcorp Genetics (formerly Invitae), Labcorp and Inherited Neuropathy Consortium).

NM_001365088.1(SLC12A6):c.1616G>A (p.Gly539Asp)

Gene: SLC12A6 (solute carrier family 12 member 6; minus strand). Cytogenetic location: 15q14.
Variant type: single nucleotide variant.
Coding change: c.1616G>A on transcript NM_001365088.1 (MANE Select); coding-DNA position 1616, G replaced by A.
Protein change: p.Gly539Asp; replaces glycine 539 with aspartic acid.
Molecular consequence: missense variant.
Genome position (GRCh38, 1-based): chr15:34,250,331, C>T on the plus strand (G>A on the coding strand, the complement: SLC12A6 is on the minus strand). VCF-style: chr15-34250331-C-T. GRCh37 (hg19) VCF-style: chr15-34542532-C-T.
Other names: c.1439G>A, p.Gly480Asp (NM_001042494.2, NM_001042495.2); c.1589G>A, p.Gly530Asp (NM_001042496.2); c.1571G>A, p.Gly524Asp (NM_001042497.2); c.1463G>A, p.Gly488Asp (NM_005135.2); c.1616G>A, p.Gly539Asp (NM_133647.2); short protein forms G488D, G539D, G480D, G530D, G524D.
Identifiers: ClinVar variation 637871 (VCV000637871.5), dbSNP rs1595430425, ClinGen allele CA391605408.